The following is an entry in ClinVar:

ClinVar aggregate classification (germline): Uncertain significance. Review status: criteria provided, multiple submitters, no conflicts (2 of 4 stars). 3 submissions from 3 submitters: Uncertain significance (3). Last evaluated 2024-08-28.

Conditions:
Cardiovascular phenotype. Identifiers: MedGen CN230736.
Brugada syndrome. Also called: Sudden unexpected nocturnal death syndrome; Sudden unexplained nocturnal death syndrome; Sudden Unexplained Death Syndrome; Sudden Unexplained Nocturnal Death Syndrome (SUNDS). Identifiers: Orphanet 130, MedGen C1142166, MONDO:0015263.

Allele frequency attached by ClinVar (database versions not stated): gnomAD exomes below 0.00001.

Submissions (3):

Blueprint Genetics
Classification: Uncertain significance. Last evaluated: 2024-08-28. Review status: criteria provided, single submitter. Criteria: ACMG Guidelines, 2015. Collection method: clinical testing. Allele origin: germline.

Ambry Genetics
Classification: Uncertain significance for Cardiovascular phenotype. Last evaluated: 2022-05-06. Review status: criteria provided, single submitter. Criteria: Ambry Variant Classification Scheme 2023. Collection method: clinical testing. Allele origin: germline.
Comment: The p.R394S variant (also known as c.1182G>C), located in coding exon 2 of the KCNJ8 gene, results from a G to C substitution at nucleotide position 1182. The arginine at codon 394 is replaced by serine, an amino acid with dissimilar properties. This amino acid position is conserved. In addition, this alteration is predicted to be tolerated by in silico analysis. Since supporting evidence is limited at this time, the clinical significance of this alteration remains unclear.

Labcorp Genetics (formerly Invitae), Labcorp
Classification: Uncertain significance for Brugada syndrome. Last evaluated: 2018-02-01. Review status: criteria provided, single submitter. Criteria: Invitae Variant Classification Sherloc (09022015). Collection method: clinical testing. Allele origin: germline.
Comment: Algorithms developed to predict the effect of missense changes on protein structure and function (SIFT, PolyPhen-2, Align-GVGD) all suggest that this variant is likely to be tolerated, but these predictions have not been confirmed by published functional studies and their clinical significance is uncertain. In summary, the available evidence is currently insufficient to determine the role of this variant in disease. Therefore, it has been classified as a Variant of Uncertain Significance. This variant has not been reported in the literature in individuals with KCNJ8-related disease. ClinVar contains an entry for this variant (Variation ID: 180388). This variant is not present in population databases (ExAC no frequency). This sequence change replaces arginine with serine at codon 394 of the KCNJ8 protein (p.Arg394Ser). The arginine residue is moderately conserved and there is a moderate physicochemical difference between arginine and serine.

NM_004982.4(KCNJ8):c.1182G>C (p.Arg394Ser)

Genes: KCNJ8-AS1 (KCNJ8 antisense RNA 1; plus strand), KCNJ8 (potassium inwardly rectifying channel subfamily J member 8; minus strand). Cytogenetic location: 12p12.1.
Variant type: single nucleotide variant.
Coding change: c.1182G>C on transcript NM_004982.4 (MANE Select); coding-DNA position 1182, G replaced by C.
Protein change: p.Arg394Ser; replaces arginine 394 with serine.
Molecular consequence: missense variant.
Genome position (GRCh38, 1-based): chr12:21,765,816, C>G on the plus strand (G>C on the coding strand, the complement: KCNJ8 is on the minus strand). VCF-style: chr12-21765816-C-G. GRCh37 (hg19) VCF-style: chr12-21918750-C-G.
Other names: short protein forms R394S.
Identifiers: ClinVar variation 180388 (VCV000180388.14), dbSNP rs730880120, ClinGen allele CA346398.